The following is an entry in ClinVar:

ClinVar aggregate classification (germline): Likely benign (0 of 4 stars; one submission).

Conditions:
DNAH2-related disorder. Also called: DNAH2-related condition.

Allele frequency attached by ClinVar (database versions not stated): gnomAD exomes 0.00027; ExAC 0.00092; 1000 Genomes Project 30x 0.00203; 1000 Genomes Project 0.00220; gnomAD 0.00281; TOPMed 0.00322; ESP Exome Variant Server 0.00338.
gnomAD v4.1: 834 of 1,614,146 alleles (0.052%); highest among the groups gnomAD compares: African/African-American, 0.99%; 3 homozygotes.

Submission:

PreventionGenetics, part of Exact Sciences
Classification: Likely benign for DNAH2-related condition. Last evaluated: 2019-02-18. Review status: no assertion criteria provided. Collection method: clinical testing. Allele origin: germline.
Comment: This variant is classified as likely benign based on ACMG/AMP sequence variant interpretation guidelines (Richards et al. 2015 PMID: 25741868, with internal and published modifications).

NM_020877.5(DNAH2):c.5207C>T (p.Ser1736Phe)

Gene: DNAH2 (dynein axonemal heavy chain 2; plus strand). Cytogenetic location: 17p13.1.
Variant type: single nucleotide variant.
Coding change: c.5207C>T on transcript NM_020877.5 (MANE Select); coding-DNA position 5207, C replaced by T.
Protein change: p.Ser1736Phe; replaces serine 1736 with phenylalanine.
Molecular consequence: missense variant.
Genome position (GRCh38, 1-based): chr17:7,777,594, C>T. VCF-style: chr17-7777594-C-T. GRCh37 (hg19) VCF-style: chr17-7680912-C-T.
Other names: short protein forms S1736F.
Identifiers: ClinVar variation 3033486 (VCV003033486.2), dbSNP rs73977760, ClinGen allele CA8357370.
Genomic context (GRCh38, chr17:7,777,594, plus strand): 5'-AAATTCATGCCCGGGATGTGTTGGAGAAGCTTTACAAGAGTGGCCTCATGGATGTCAATT[C>T]CTTTGACTGGCTCAGCCAACTTCGGTTCTACTGGGAGAAGGTGCCAGATGGGCCACCTCC-3'
Protein context (NP_065928.2, residues 1726-1746): LYKSGLMDVN[Ser1736Phe]FDWLSQLRFY